The following is an entry in ClinVar:

ClinVar aggregate classification (germline): Likely pathogenic (1 of 4 stars; one submission).

Submission:

Labcorp Genetics (formerly Invitae), Labcorp
Classification: Likely pathogenic. Last evaluated: 2025-11-13. Review status: criteria provided, single submitter. Criteria: Invitae Variant Classification Sherloc (09022015). Collection method: clinical testing. Allele origin: germline.
Comment: This sequence change affects a donor splice site in intron 4 of the HPS1 gene. It is expected to disrupt RNA splicing. Variants that disrupt the donor or acceptor splice site typically lead to a loss of protein function (PMID: 16199547), and loss-of-function variants in HPS1 are known to be pathogenic (PMID: 12442288, 16185271). This variant is not present in population databases (gnomAD no frequency). This variant has not been reported in the literature in individuals affected with HPS1-related conditions. Algorithms developed to predict the effect of sequence changes on RNA splicing suggest that this variant may disrupt the consensus splice site. In summary, the currently available evidence indicates that the variant is pathogenic, but additional data are needed to prove that conclusively. Therefore, this variant has been classified as Likely Pathogenic.

Literature cited by the submitters: PubMed 16199547; PubMed 12442288; PubMed 16185271.

NM_000195.5(HPS1):c.255+1G>C

Gene: HPS1 (HPS1 biogenesis of lysosomal organelles complex 3 subunit 1; minus strand). Cytogenetic location: 10q24.2.
Variant type: single nucleotide variant.
Coding change: c.255+1G>C on transcript NM_000195.5 (MANE Select); the canonical splice donor site of the intron after coding-DNA position 255, G replaced by C.
Molecular consequence: splice donor variant.
Genome position (GRCh38, 1-based): chr10:98,435,634, C>G on the plus strand (G>C on the coding strand, the complement: HPS1 is on the minus strand). VCF-style: chr10-98435634-C-G. GRCh37 (hg19) VCF-style: chr10-100195391-C-G.
Other names: c.29+1G>C (NM_001322483.2, NM_001322485.2, NM_001322484.2); c.255+1G>C (NM_001322480.2, NM_001322478.2, NM_001322476.2 and 8 more transcripts); c.-519+1G>C (NM_001322489.2); c.-662+1G>C (NM_001311345.2); c.-761+1G>C (NM_001322487.2).
Identifiers: ClinVar variation 4731098 (VCV004731098.1).